The following is an entry in ClinVar:

ClinVar aggregate classification (germline): Uncertain significance. Review status: criteria provided, multiple submitters, no conflicts (2 of 4 stars). 2 submissions from 2 submitters: Uncertain significance (2). Last evaluated 2024-10-03.

Conditions:
Hereditary cancer-predisposing syndrome. Also called: Neoplastic Syndromes, Hereditary; Tumor predisposition; Hereditary neoplastic syndrome; Hereditary Cancer Syndrome. Identifiers: Orphanet 140162, MedGen C0027672, MeSH D009386, MONDO:0015356.
Retinoblastoma (RB1). Also called: RETINOBLASTOMA, SOMATIC. Identifiers: Orphanet 790, MedGen C0035335, MeSH D012175, MONDO:0008380, OMIM 180200, HP:0009919. Disease mechanism: loss of function. Inheritance: Both sporadic and heritable forms are tested..

gnomAD v4.1: 1 of 1,598,892 alleles (0.000063%); highest among the groups gnomAD compares: Non-Finnish European, 0.000086%; no homozygotes.

Submissions (2):

Ambry Genetics
Classification: Uncertain significance for Hereditary cancer-predisposing syndrome. Last evaluated: 2024-10-03. Review status: criteria provided, single submitter. Criteria: Ambry Variant Classification Scheme 2023. Collection method: clinical testing. Allele origin: germline.
Comment: The p.I388T variant (also known as c.1163T>C), located in coding exon 12 of the RB1 gene, results from a T to C substitution at nucleotide position 1163. The isoleucine at codon 388 is replaced by threonine, an amino acid with similar properties. This amino acid position is well conserved in available vertebrate species. In addition, this alteration is predicted to be tolerated by in silico analysis. Based on the available evidence, the clinical significance of this variant remains unclear.

Labcorp Genetics (formerly Invitae), Labcorp
Classification: Uncertain significance for Retinoblastoma. Last evaluated: 2024-06-08. Review status: criteria provided, single submitter. Criteria: Invitae Variant Classification Sherloc (09022015). Collection method: clinical testing. Allele origin: germline.
Comment: This sequence change replaces isoleucine, which is neutral and non-polar, with threonine, which is neutral and polar, at codon 388 of the RB1 protein (p.Ile388Thr). This variant is not present in population databases (gnomAD no frequency). This variant has not been reported in the literature in individuals affected with RB1-related conditions. ClinVar contains an entry for this variant (Variation ID: 578835). Advanced modeling of protein sequence and biophysical properties (such as structural, functional, and spatial information, amino acid conservation, physicochemical variation, residue mobility, and thermodynamic stability) performed at Invitae indicates that this missense variant is not expected to disrupt RB1 protein function with a negative predictive value of 80%. In summary, the available evidence is currently insufficient to determine the role of this variant in disease. Therefore, it has been classified as a Variant of Uncertain Significance.

NM_000321.3(RB1):c.1163T>C (p.Ile388Thr)

Gene: RB1 (RB transcriptional corepressor 1; plus strand). Cytogenetic location: 13q14.2.
Variant type: single nucleotide variant.
Coding change: c.1163T>C on transcript NM_000321.3 (MANE Select); coding-DNA position 1163, T replaced by C.
Protein change: p.Ile388Thr; replaces isoleucine 388 with threonine.
Molecular consequence: missense variant.
Genome position (GRCh38, 1-based): chr13:48,373,440, T>C. VCF-style: chr13-48373440-T-C. GRCh37 (hg19) VCF-style: chr13-48947576-T-C.
Other names: short protein forms I388T.
Identifiers: ClinVar variation 578835 (VCV000578835.10), dbSNP rs373623059, ClinGen allele CA388161509.
Genomic context (GRCh38, chr13:48,373,440, plus strand): 5'-ATTTTCCTATTTTTATCCCCTCTAGGACTGTTATGAACACTATCCAACAATTAATGATGA[T>C]TTTAAATTCAGCAAGTGATCAACCTTCAGAAAATCTGATTTCCTATTTTAACGTAAGCCA-3'
Protein context (NP_000312.2, residues 378-398): VMNTIQQLMM[Ile388Thr]LNSASDQPSE